The following is an entry in ClinVar:

NM_002691.4(POLD1):c.878C>T (p.Ser293Phe)

Gene: POLD1 (DNA polymerase delta 1, catalytic subunit; plus strand). Cytogenetic location: 19q13.33.
Variant type: single nucleotide variant.
Coding change: c.878C>T on transcript NM_002691.4 (MANE Select); coding-DNA position 878, C replaced by T.
Protein change: p.Ser293Phe; replaces serine 293 with phenylalanine.
Molecular consequence: missense variant. On other transcripts: non-coding transcript variant (1).
Genome position (GRCh38, 1-based): chr19:50,402,649, C>T. VCF-style: chr19-50402649-C-T. GRCh37 (hg19) VCF-style: chr19-50905906-C-T.
Other names: c.878C>T, p.Ser293Phe (NM_001256849.1, NM_001308632.1); short protein forms S293F.
Identifiers: ClinVar variation 2988309 (VCV002988309.3), dbSNP rs2122256701, ClinGen allele CA406976837.

ClinVar aggregate classification (germline): Uncertain significance (1 of 4 stars; one submission).

Conditions:
POLD1-related polyposis and colorectal cancer syndrome (CRCS10). Also called: Colorectal cancer 10; COLORECTAL CANCER, SUSCEPTIBILITY TO, ON CHROMOSOME 19q; Colorectal cancer, susceptibility to, 10. Identifiers: Orphanet 220460, MedGen C2675481, MONDO:0012953, OMIM 612591.

Submission:

Labcorp Genetics (formerly Invitae), Labcorp
Classification: Uncertain significance for POLD1-related polyposis and colorectal cancer syndrome. Last evaluated: 2023-07-30. Review status: criteria provided, single submitter. Criteria: Invitae Variant Classification Sherloc (09022015). Collection method: clinical testing. Allele origin: germline.
Comment: In summary, the available evidence is currently insufficient to determine the role of this variant in disease. Therefore, it has been classified as a Variant of Uncertain Significance. Advanced modeling of protein sequence and biophysical properties (such as structural, functional, and spatial information, amino acid conservation, physicochemical variation, residue mobility, and thermodynamic stability) performed at Invitae indicates that this missense variant is not expected to disrupt POLD1 protein function. This variant has not been reported in the literature in individuals affected with POLD1-related conditions. This variant is not present in population databases (gnomAD no frequency). This sequence change replaces serine, which is neutral and polar, with phenylalanine, which is neutral and non-polar, at codon 293 of the POLD1 protein (p.Ser293Phe).